The following is an entry in ClinVar:

ClinVar aggregate classification (germline): Conflicting classifications of pathogenicity. Review status: criteria provided, conflicting classifications (1 of 4 stars). 2 submissions from 2 submitters: Uncertain significance (1); Likely benign (1). Last evaluated 2026-01-19.

Conditions:
Inborn genetic diseases. Identifiers: MedGen C0950123, MeSH D030342.

Allele frequency attached by ClinVar (database versions not stated): gnomAD 0.00001; TOPMed below 0.00001.

Submissions (2):

Labcorp Genetics (formerly Invitae), Labcorp
Classification: Uncertain significance. Last evaluated: 2026-01-19. Review status: criteria provided, single submitter. Criteria: Invitae Variant Classification Sherloc (09022015). Collection method: clinical testing. Allele origin: germline.
Comment: This sequence change replaces arginine, which is basic and polar, with lysine, which is basic and polar, at codon 411 of the MBD4 protein (p.Arg411Lys). This variant is present in population databases (rs754962799, gnomAD 0.004%). This variant has not been reported in the literature in individuals affected with MBD4-related conditions. ClinVar contains an entry for this variant (Variation ID: 3022937). An algorithm developed to predict the effect of missense changes on protein structure and function outputs the following: PolyPhen-2: "Benign". The lysine amino acid residue is found in multiple mammalian species, which suggests that this missense change does not adversely affect protein function. In summary, the available evidence is currently insufficient to determine the role of this variant in disease. Therefore, it has been classified as a Variant of Uncertain Significance.

Ambry Genetics
Classification: Likely benign for Inborn genetic diseases. Last evaluated: 2025-02-01. Review status: criteria provided, single submitter. Criteria: Ambry Variant Classification Scheme 2023. Collection method: clinical testing. Allele origin: germline.

NM_001276270.2(MBD4):c.1214G>A (p.Arg405Lys)

Gene: MBD4 (methyl-CpG binding domain 4, DNA glycosylase; minus strand). Cytogenetic location: 3q21.3.
Variant type: single nucleotide variant.
Coding change: c.1214G>A on transcript NM_001276270.2 (MANE Select); coding-DNA position 1214, G replaced by A.
Protein change: p.Arg405Lys; replaces arginine 405 with lysine.
Molecular consequence: missense variant.
Genome position (GRCh38, 1-based): chr3:129,434,106, C>T on the plus strand (G>A on the coding strand, the complement: MBD4 is on the minus strand). VCF-style: chr3-129434106-C-T. GRCh37 (hg19) VCF-style: chr3-129152949-C-T.
Other names: c.1232G>A, p.Arg411Lys (NM_001276271.2, NM_001276272.2, NM_003925.3); c.278G>A, p.Arg93Lys (NM_001276273.2); short protein forms R411K, R93K, R405K.
Identifiers: ClinVar variation 3022937 (VCV003022937.4), dbSNP rs754962799, ClinGen allele CA2605375.